The following is an entry in ClinVar:

NM_000814.6(GABRB3):c.799A>G (p.Ile267Val)

Gene: GABRB3 (gamma-aminobutyric acid type A receptor subunit beta3; minus strand). Cytogenetic location: 15q12.
Variant type: single nucleotide variant.
Coding change: c.799A>G on transcript NM_000814.6 (MANE Select); coding-DNA position 799, A replaced by G.
Protein change: p.Ile267Val; replaces isoleucine 267 with valine.
Molecular consequence: missense variant.
Genome position (GRCh38, 1-based): chr15:26,567,617, T>C on the plus strand (A>G on the coding strand, the complement: GABRB3 is on the minus strand). VCF-style: chr15-26567617-T-C. GRCh37 (hg19) VCF-style: chr15-26812764-T-C.
Other names: c.544A>G, p.Ile182Val (NM_001191320.2, NM_001278631.2); c.586A>G, p.Ile196Val (NM_001191321.3); c.799A>G, p.Ile267Val (NM_021912.5); short protein forms I182V, I196V, I267V.
Identifiers: ClinVar variation 1518195 (VCV001518195.8), dbSNP rs2140696625, ClinGen allele CA391463084.

ClinVar aggregate classification (germline): Uncertain significance (1 of 4 stars; one submission).

Conditions:
Epilepsy, childhood absence, susceptibility to, 5. Identifiers: Orphanet 64280, MedGen C2677087, MONDO:0012843, OMIM 612269.
Epilepsy, childhood absence, susceptibility to, 1. Also called: Epilepsy, childhood absence 1. Identifiers: Orphanet 64280, MedGen C1838604, MONDO:0020759, OMIM 600131.

Submission:

Labcorp Genetics (formerly Invitae), Labcorp
Classification: Uncertain significance for Epilepsy, childhood absence, susceptibility to, 5; Epilepsy, childhood absence, susceptibility to, 1. Last evaluated: 2022-06-13. Review status: criteria provided, single submitter. Criteria: Invitae Variant Classification Sherloc (09022015). Collection method: clinical testing. Allele origin: germline.
Comment: Advanced modeling of protein sequence and biophysical properties (such as structural, functional, and spatial information, amino acid conservation, physicochemical variation, residue mobility, and thermodynamic stability) performed at Invitae indicates that this missense variant is expected to disrupt GABRB3 protein function. In summary, the available evidence is currently insufficient to determine the role of this variant in disease. Therefore, it has been classified as a Variant of Uncertain Significance. This variant has not been reported in the literature in individuals affected with GABRB3-related conditions. This variant is not present in population databases (gnomAD no frequency). This sequence change replaces isoleucine, which is neutral and non-polar, with valine, which is neutral and non-polar, at codon 267 of the GABRB3 protein (p.Ile267Val).